The following is an entry in ClinVar:

NM_001378457.1(DMXL2):c.6920T>C (p.Ile2307Thr)

Gene: DMXL2 (Dmx like 2; minus strand). Cytogenetic location: 15q21.2.
Variant type: single nucleotide variant.
Coding change: c.6920T>C on transcript NM_001378457.1 (MANE Select); coding-DNA position 6920, T replaced by C.
Protein change: p.Ile2307Thr; replaces isoleucine 2307 with threonine.
Molecular consequence: missense variant. On other transcripts: non-coding transcript variant (2).
Genome position (GRCh38, 1-based): chr15:51,476,633, A>G on the plus strand (T>C on the coding strand, the complement: DMXL2 is on the minus strand). VCF-style: chr15-51476633-A-G. GRCh37 (hg19) VCF-style: chr15-51768830-A-G.
Other names: c.6920T>C, p.Ile2307Thr (NM_001174116.3, NM_001378459.1, NM_001378461.1 and 1 more transcripts); c.5009T>C, p.Ile1670Thr (NM_001174117.3); c.6917T>C, p.Ile2306Thr (NM_001378458.1, NM_001378462.1, NM_015263.5); c.4898T>C, p.Ile1633Thr (NM_001378460.1); c.6677T>C, p.Ile2226Thr (NM_001378464.1); short protein forms I1633T, I2306T, I2307T, I2226T, I1670T.
Identifiers: ClinVar variation 1992896 (VCV001992896.4), dbSNP rs2041605861, ClinGen allele CA392441498.

ClinVar aggregate classification (germline): Uncertain significance (1 of 4 stars; one submission).

Allele frequency attached by ClinVar (database versions not stated): gnomAD exomes below 0.00001.
gnomAD v4.1: 4 of 1,612,084 alleles (0.00025%); highest among the groups gnomAD compares: Non-Finnish European, 0.00034%; no homozygotes.

Submission:

Labcorp Genetics (formerly Invitae), Labcorp
Classification: Uncertain significance. Last evaluated: 2022-05-18. Review status: criteria provided, single submitter. Criteria: Invitae Variant Classification Sherloc (09022015). Collection method: clinical testing. Allele origin: germline.
Comment: This sequence change replaces isoleucine, which is neutral and non-polar, with threonine, which is neutral and polar, at codon 2307 of the DMXL2 protein (p.Ile2307Thr). This variant is not present in population databases (gnomAD no frequency). This variant has not been reported in the literature in individuals affected with DMXL2-related conditions. Algorithms developed to predict the effect of missense changes on protein structure and function are either unavailable or do not agree on the potential impact of this missense change (SIFT: "Tolerated"; PolyPhen-2: "Possibly Damaging"; Align-GVGD: "Class C0"). In summary, the available evidence is currently insufficient to determine the role of this variant in disease. Therefore, it has been classified as a Variant of Uncertain Significance.